The following is an entry in ClinVar:

ClinVar aggregate classification (germline): Likely pathogenic (1 of 4 stars; one submission).

Conditions:
Hereditary spastic paraplegia 15 (SPG15). Also called: SPASTIC PARAPLEGIA 15, AUTOSOMAL RECESSIVE; KJELLIN SYNDROME; SPASTIC PARAPLEGIA AND RETINAL DEGENERATION. Identifiers: Orphanet 100996, MedGen C1849128, MONDO:0010044, OMIM 270700.

Submission:

Myriad Genetics, Inc.
Classification: Likely pathogenic for Hereditary spastic paraplegia 15. Last evaluated: 2022-02-20. Review status: criteria provided, single submitter. Criteria: Myriad Women's Health Autosomal Recessive and X-Linked Classification Criteria (2021). Collection method: clinical testing. Allele origin: unknown.
Comment: NM_015346.3(ZFYVE26):c.3960C>A(C1320*) is expected to be pathogenic in the context of spastic paraplegia type 15. This variant is predicted to lead to an abnormal or absent protein product due to the creation of a premature termination codon in ZFYVE26, a gene where loss-of-function variants are known to be pathogenic. Please note: this variant was assessed in the context of healthy population screening.

NM_015346.4(ZFYVE26):c.3960C>A (p.Cys1320Ter)

Gene: ZFYVE26 (zinc finger FYVE-type containing 26; minus strand). Cytogenetic location: 14q24.1.
Variant type: single nucleotide variant.
Coding change: c.3960C>A on transcript NM_015346.4 (MANE Select); coding-DNA position 3960, C replaced by A.
Protein change: p.Cys1320Ter; replaces cysteine 1320 with a stop codon.
Molecular consequence: nonsense.
Genome position (GRCh38, 1-based): chr14:67,783,192, G>T on the plus strand (C>A on the coding strand, the complement: ZFYVE26 is on the minus strand). VCF-style: chr14-67783192-G-T. GRCh37 (hg19) VCF-style: chr14-68249909-G-T.
Other names: short protein forms C1320*.
Identifiers: ClinVar variation 1724586 (VCV001724586.2), dbSNP rs1483134756, ClinGen allele CA390171131.